The following is an entry in ClinVar:

NM_001851.6(COL9A1):c.2299A>G (p.Met767Val)

Gene: COL9A1 (collagen type IX alpha 1 chain; minus strand). Cytogenetic location: 6q13.
Variant type: single nucleotide variant.
Coding change: c.2299A>G on transcript NM_001851.6 (MANE Select); coding-DNA position 2299, A replaced by G.
Protein change: p.Met767Val; replaces methionine 767 with valine.
Molecular consequence: missense variant. On other transcripts: non-coding transcript variant (1).
Genome position (GRCh38, 1-based): chr6:70,234,554, T>C on the plus strand (A>G on the coding strand, the complement: COL9A1 is on the minus strand). VCF-style: chr6-70234554-T-C. GRCh37 (hg19) VCF-style: chr6-70944257-T-C.
Other names: c.2299A>G (NM_001851.5); c.1600A>G, p.Met534Val (NM_001377289.1); c.1423A>G, p.Met475Val (NM_001377290.1); c.1570A>G, p.Met524Val (NM_078485.4); short protein forms M767V, M524V, M475V, M534V.
Identifiers: ClinVar variation 258358 (VCV000258358.18), dbSNP rs6910140, ClinGen allele CA3881803.
Genomic context (GRCh38, chr6:70,234,554, plus strand): 5'-CAAGAGTTGATGGTGGAAAAAGTCAAACCATTGTGATTTATTTACCTTGTATGACTCTCA[T>C]GCAAACCTGCTTAATGTGCTGATCTGTCGGTGCTCTACCCTGGGACAGAAAAGAAAAAAA-3'
Protein context (NP_001842.3, residues 757-777): PTDQHIKQVC[Met767Val]RVIQEHFAEM

ClinVar aggregate classification (germline): Benign/Likely benign. Review status: criteria provided, multiple submitters, no conflicts (2 of 4 stars). 10 submissions from 10 submitters: Benign (6); Likely benign (1). 3 of the submissions do not count toward it. Last evaluated 2026-05-09.

Allele frequency attached by ClinVar (database versions not stated): ExAC 0.03752; gnomAD exomes 0.03944; ESP Exome Variant Server 0.04198; gnomAD 0.04394; TOPMed 0.05067; 1000 Genomes Project 0.07348; 1000 Genomes Project 30x 0.07386.
gnomAD v4.1: 36,856 of 1,614,108 alleles (2.3%); highest among the groups gnomAD compares: African/African-American, 9.9%; 1,093 homozygotes.

Submissions (10):

Women's Health and Genetics/Laboratory Corporation of America, LabCorp
Classification: Likely benign. Last evaluated: 2026-05-09. Review status: criteria provided, single submitter. Criteria: LabCorp Variant Classification Summary - May 2015. Collection method: clinical testing. Allele origin: germline.

Labcorp Genetics (formerly Invitae), Labcorp
Classification: Benign. Last evaluated: 2026-02-04. Review status: criteria provided, single submitter. Criteria: Invitae Variant Classification Sherloc (09022015). Collection method: clinical testing. Allele origin: germline.

Blueprint Genetics
Classification: Benign. Last evaluated: 2024-11-26. Review status: criteria provided, single submitter. Criteria: ACMG Guidelines, 2015. Collection method: clinical testing. Allele origin: germline.

Mayo Clinic Laboratories, Mayo Clinic
Classification: Benign. Last evaluated: 2022-04-17. Review status: criteria provided, single submitter. Criteria: ACMG Guidelines, 2015. Collection method: clinical testing. Allele origin: germline. Observed: 9 variant alleles.

Athena Diagnostics
Classification: Benign. Last evaluated: 2018-08-10. Review status: criteria provided, single submitter. Criteria: Athena Diagnostics Criteria. Collection method: clinical testing. Allele origin: germline.

GeneDx
Classification: Benign. Last evaluated: 2016-10-06. Review status: criteria provided, single submitter. Criteria: GeneDx Variant Classification (06012015). Collection method: clinical testing. Allele origin: germline. Affected: yes.
Comment: This variant is considered likely benign or benign based on one or more of the following criteria: it is a conservative change, it occurs at a poorly conserved position in the protein, it is predicted to be benign by multiple in silico algorithms, and/or has population frequency not consistent with disease.

PreventionGenetics, part of Exact Sciences
Classification: Benign. Review status: criteria provided, single submitter. Criteria: ACMG Guidelines, 2015. Collection method: clinical testing. Allele origin: germline.

Genome Diagnostics Laboratory, Amsterdam University Medical Center
Classification: Benign. Review status: no assertion criteria provided. Collection method: clinical testing. Allele origin: germline. Affected: yes. Study: VKGL Data-share Consensus. Not counted in ClinVar's aggregate classification.

Joint Genome Diagnostic Labs from Nijmegen and Maastricht, Radboudumc and MUMC+
Classification: Benign. Review status: no assertion criteria provided. Collection method: clinical testing. Allele origin: germline. Affected: yes. Study: VKGL Data-share Consensus. Not counted in ClinVar's aggregate classification.

Laboratory of Diagnostic Genome Analysis, Leiden University Medical Center (LUMC)
Classification: Likely benign. Review status: no assertion criteria provided. Collection method: clinical testing. Allele origin: germline. Affected: yes. Study: VKGL Data-share Consensus. Not counted in ClinVar's aggregate classification.